The following is an entry in ClinVar:

ClinVar aggregate classification (germline): Likely benign. Review status: criteria provided, multiple submitters, no conflicts (2 of 4 stars). 2 submissions from 2 submitters: Likely benign (2). Last evaluated 2026-06-16.

Conditions:
Inborn genetic diseases. Identifiers: MedGen C0950123, MeSH D030342.
CREBBP-related disorder. Also called: CREBBP-related disorders; CREBBP-related condition.

Allele frequency attached by ClinVar (database versions not stated): gnomAD below 0.00001 and 0.00001; gnomAD exomes 0.00001 and 0.00002; ExAC 0.00002.
gnomAD v4.1: 16 of 1,614,092 alleles (0.00099%); highest among the groups gnomAD compares: South Asian, 0.015%; no homozygotes.

Submissions (2):

PreventionGenetics, part of Exact Sciences
Classification: Likely benign for CREBBP-related condition. Last evaluated: 2026-06-16. Review status: criteria provided, single submitter. Criteria: ACMG Guidelines, 2015. Collection method: clinical testing. Allele origin: germline.
Comment: This variant is classified as likely benign based on ACMG/AMP sequence variant interpretation guidelines (Richards et al. 2015 PMID: 25741868, with internal and published modifications).

Ambry Genetics
Classification: Likely benign for Inborn genetic diseases. Last evaluated: 2016-09-20. Review status: criteria provided, single submitter. Criteria: Ambry Variant Classification Scheme 2023. Collection method: clinical testing. Allele origin: germline.

NM_004380.3(CREBBP):c.2067G>A (p.Gly689=)

Gene: CREBBP (CREB binding lysine acetyltransferase; minus strand). Cytogenetic location: 16p13.3.
Variant type: single nucleotide variant.
Coding change: c.2067G>A on transcript NM_004380.3 (MANE Select); coding-DNA position 2067, G replaced by A.
Protein change: p.Gly689=; no amino-acid change (glycine 689 retained).
Molecular consequence: synonymous variant.
Genome position (GRCh38, 1-based): chr16:3,778,057, C>T on the plus strand (G>A on the coding strand, the complement: CREBBP is on the minus strand). VCF-style: chr16-3778057-C-T. GRCh37 (hg19) VCF-style: chr16-3828058-C-T.
Other names: c.1953G>A, p.Gly651= (NM_001079846.1).
Identifiers: ClinVar variation 588287 (VCV000588287.6), dbSNP rs762541030, ClinGen allele CA7870282.